The following is an entry in ClinVar:

ClinVar aggregate classification (germline): Uncertain significance. Review status: criteria provided, multiple submitters, no conflicts (2 of 4 stars). 2 submissions from 2 submitters: Uncertain significance (2). Last evaluated 2026-08-26.

Conditions:
SEPTIN6-related disorder. Also called: SEPTIN6-related condition.

gnomAD v4.1: 12 of 1,209,345 alleles (0.00099%); highest among the groups gnomAD compares: East Asian, 0.0059%; no homozygotes.

Submissions (2):

PreventionGenetics, part of Exact Sciences
Classification: Uncertain significance for SEPTIN6-related condition. Last evaluated: 2026-08-26. Review status: criteria provided, single submitter. Criteria: ACMG Guidelines, 2015. Collection method: clinical testing. Allele origin: germline.
Comment: The SEPTIN6 c.877C>T variant is predicted to result in the amino acid substitution p.Arg293Trp. To our knowledge, this variant has not been reported in the literature. This variant is reported in 0.0072% of alleles in individuals of East Asian descent in gnomAD. At this time, the clinical significance of this variant is uncertain due to the absence of conclusive functional and genetic evidence.

Ambry Genetics
Classification: Uncertain significance. Last evaluated: 2024-09-02. Review status: criteria provided, single submitter. Criteria: Ambry Variant Classification Scheme 2023. Collection method: clinical testing. Allele origin: germline.

NM_145799.4(SEPTIN6):c.877C>T (p.Arg293Trp)

Gene: SEPTIN6 (septin 6; minus strand). Cytogenetic location: Xq24.
Variant type: single nucleotide variant.
Coding change: c.877C>T on transcript NM_145799.4 (MANE Select); coding-DNA position 877, C replaced by T.
Protein change: p.Arg293Trp; replaces arginine 293 with tryptophan.
Molecular consequence: missense variant.
Genome position (GRCh38, 1-based): chrX:119,637,106, G>A on the plus strand (C>T on the coding strand, the complement: SEPTIN6 is on the minus strand). VCF-style: chrX-119637106-G-A. GRCh37 (hg19) VCF-style: chrX-118771069-G-A.
Other names: c.877C>T, p.Arg293Trp (NM_001410710.1, NM_015129.6, NM_145800.4 and 1 more transcripts); c.877C>T (NM_145802.3); short protein forms R293W.
Identifiers: ClinVar variation 3439782 (VCV003439782.2).
Genomic context (GRCh38, chrX:119,637,106, plus strand): 5'-GGTCGGTGTCCTTGAAGCCCATCTCCTCCAGCTTACAGCGGCGATACAGCTCATAGTGCC[G>A]GGTGTGGGTCTGCTCCCGCAGATCCTCCATGTTGACCCGAATCAGCATCTCCCGCAGCTT-3'
Protein context (NP_665798.1, residues 283-303): MEDLREQTHT[Arg293Trp]HYELYRRCKL